The following is an entry in ClinVar:

NM_000474.4(TWIST1):c.398_418dup (p.Ser140Ter)

Gene: TWIST1 (twist family bHLH transcription factor 1; minus strand). Cytogenetic location: 7p21.1.
Variant type: Duplication.
Coding change: c.398_418dup on transcript NM_000474.4 (MANE Select); coding-DNA positions 398 to 418, 21 bases duplicated (AGATCATCCCCACGCTGCCCT).
Protein change: p.Ser140Ter; replaces serine 140 with a stop codon.
Molecular consequence: nonsense. On other transcripts: non-coding transcript variant (1).
Genome position (GRCh38, 1-based): chr7:19,116,904-19,116,924, AGGGCAGCGTGGGGATGATCT duplicated on the plus strand (AGATCATCCCCACGCTGCCCT on the coding strand, the reverse complement: TWIST1 is on the minus strand). VCF-style (leftmost placement, unchanged base first): chr7-19116903-G-GAGGGCAGCGTGGGGATGATCT. GRCh37 (hg19) VCF-style: chr7-19156526-G-GAGGGCAGCGTGGGGATGATCT.
Other names: short protein forms S140*.
Identifiers: ClinVar variation 567420 (VCV000567420.6), dbSNP rs1563159980, ClinGen allele CA891842918.
Genomic context (GRCh38, chr7:19,116,903, plus strand): 5'-TAGAGGAAGTCGATGTACCTGGCCGCCAGCTTGAGGGTCTGAATCTTGCTCAGCTTGTCC[G>GAGGGCAGCGTGGGGATGATCT]AGGGCAGCGTGGGGATGATCTTCCGCAGCGCGGCGAACGCCTCGTTCAGCGACTGGGTGC-3'

ClinVar aggregate classification (germline): Pathogenic (1 of 4 stars; one submission).

Conditions:
TWIST1-related craniosynostosis (CRS1). Also called: CRANIOSYNOSTOSIS 1. Identifiers: Orphanet 63440, MedGen C4551902, MONDO:0007399, OMIM 123100. Inheritance: Heterogenous inheritance pattern.
Saethre-Chotzen syndrome (SCS). Also called: ACROCEPHALY, SKULL ASYMMETRY, AND MILD SYNDACTYLY; ACS III; CHOTZEN SYNDROME. Identifiers: Orphanet 794, MedGen C0175699, MONDO:0007042, OMIM 101400.

Submission:

Labcorp Genetics (formerly Invitae), Labcorp
Classification: Pathogenic for TWIST1-related craniosynostosis; Saethre-Chotzen syndrome. Last evaluated: 2018-06-12. Review status: criteria provided, single submitter. Criteria: Invitae Variant Classification Sherloc (09022015). Collection method: clinical testing. Allele origin: germline.
Comment: Loss-of-function variants in TWIST1 are known to be pathogenic (PMID: 10749989). For these reasons, this variant has been classified as Pathogenic. This variant has not been reported in the literature in individuals with TWIST1-related disease. This sequence change creates a premature translational stop signal (p.Ser140*) in the TWIST1 gene. It is expected to result in an absent or disrupted protein product. This variant is not present in population databases (ExAC no frequency).

Literature cited by the submitters: PubMed 10749989.